The following is an entry in ClinVar:

NM_002880.4(RAF1):c.491G>T (p.Arg164Leu)

Gene: RAF1 (Raf-1 proto-oncogene, serine/threonine kinase; minus strand). Cytogenetic location: 3p25.2.
Variant type: single nucleotide variant.
Coding change: c.491G>T on transcript NM_002880.4 (MANE Select); coding-DNA position 491, G replaced by T.
Protein change: p.Arg164Leu; replaces arginine 164 with leucine.
Molecular consequence: missense variant. On other transcripts: non-coding transcript variant (3).
Genome position (GRCh38, 1-based): chr3:12,608,856, C>A on the plus strand (G>T on the coding strand, the complement: RAF1 is on the minus strand). VCF-style: chr3-12608856-C-A. GRCh37 (hg19) VCF-style: chr3-12650355-C-A.
Other names: c.491G>T, p.Arg164Leu (NM_001354689.3, NM_001354690.3, NM_001354693.3); c.248G>T, p.Arg83Leu (NM_001354691.3, NM_001354692.3, NM_001354694.3 and 1 more transcripts); short protein forms R164L, R83L.
Identifiers: ClinVar variation 3605734 (VCV003605734.2).

ClinVar aggregate classification (germline): Uncertain significance (1 of 4 stars; one submission).

Conditions:
RASopathy. Also called: Noonan spectrum disorder; rasopathies. Identifiers: Orphanet 536391, MedGen C5555857, MONDO:0021060.

Submission:

Labcorp Genetics (formerly Invitae), Labcorp
Classification: Uncertain significance for RASopathy. Last evaluated: 2024-03-06. Review status: criteria provided, single submitter. Criteria: Invitae Variant Classification Sherloc (09022015). Collection method: clinical testing. Allele origin: germline.
Comment: This sequence change replaces arginine, which is basic and polar, with leucine, which is neutral and non-polar, at codon 164 of the RAF1 protein (p.Arg164Leu). This variant is not present in population databases (gnomAD no frequency). This variant has not been reported in the literature in individuals affected with RAF1-related conditions. Advanced modeling of protein sequence and biophysical properties (such as structural, functional, and spatial information, amino acid conservation, physicochemical variation, residue mobility, and thermodynamic stability) performed at Invitae indicates that this missense variant is expected to disrupt RAF1 protein function with a positive predictive value of 95%. In summary, the available evidence is currently insufficient to determine the role of this variant in disease. Therefore, it has been classified as a Variant of Uncertain Significance.